The following continues an entry in ClinVar:

NM_007294.4(BRCA1):c.3454G>A (p.Asp1152Asn)

ClinVar aggregate classification (germline): Conflicting classifications of pathogenicity. Uncertain significance (8); Likely benign (8).

Submissions 10 to 21 of 21:

ARUP Laboratories, Molecular Genetics and Genomics, ARUP Laboratories
Classification: Uncertain significance. Last evaluated: 2019-01-09. Review status: criteria provided, single submitter. Criteria: ARUP Molecular Germline Variant Investigation Process. Collection method: clinical testing. Allele origin: germline.
Comment: The BRCA1 c.3454G>A; p.Asp1152Asn variant (rs80357175), also known as 3573G>A in traditional nomenclature, is reported in the literature in multiple individuals affected with breast and/or ovarian cancer, as well as one pediatric patient with leukemia (Borg 2010, Kluska 2015, Stegel 2011, Zhang 2015). This variant is reported as uncertain significance by multiple laboratories in ClinVar (Variation ID: 54890), and is found in the non-Finnish European population with an allele frequency of 0.0085% (11/129,078 alleles) in the Genome Aggregation Database. The aspartic acid at codon 1152 is moderately conserved, and computational analyses (SIFT, PolyPhen-2) predict that this variant is tolerated. In vitro functional analyses demonstrate activity similar to wildtype in a homology-directed repair assay (Lu 2015). Due to limited information, the clinical significance of the p.Asp1152Asn variant is uncertain at this time. References: Borg A et al. Characterization of BRCA1 and BRCA2 deleterious mutations and variants of unknown clinical significance in unilateral and bilateral breast cancer: the WECARE study. Hum Mutat. 2010 Mar;31(3):E1200-40. Kluska A et al. New recurrent BRCA1/2 mutations in Polish patients with familial breast/ovarian cancer detected by next generation sequencing. BMC Med Genomics. 2015 May 7;8:19. Lu C et al. Patterns and functional implications of rare germline variants across 12 cancer types. Nat Commun. 2015 Dec 22;6:10086. Stegel V et al. The occurrence of germline BRCA1 and BRCA2 sequence alterations in Slovenian population. BMC Med Genet. 2011 Jan 14;12:9. Zhang J et al. Germline Mutations in Predisposition Genes in Pediatric Cancer. N Engl J Med. 2015 Dec 10;373(24):2336-2346.

Ambry Genetics
Classification: Likely benign for Hereditary cancer-predisposing syndrome. Last evaluated: 2019-01-03. Review status: criteria provided, single submitter. Criteria: Ambry Variant Classification Scheme 2023. Collection method: clinical testing. Allele origin: germline.

Institute of Human Genetics, University of Leipzig Medical Center
Classification: Likely benign for Breast-ovarian cancer, familial, susceptibility to, 1. Last evaluated: 2019-01-01. Review status: criteria provided, single submitter. Criteria: ACMG Guidelines, 2015. Collection method: clinical testing. Allele origin: unknown. Affected: yes.

PreventionGenetics, part of Exact Sciences
Classification: Uncertain significance. Last evaluated: 2017-08-18. Review status: criteria provided, single submitter. Criteria: ACMG Guidelines, 2015. Collection method: clinical testing. Allele origin: germline.

Department of Pathology and Molecular Medicine, Queen's University
Classification: Uncertain significance. Last evaluated: 2017-04-20. Review status: criteria provided, single submitter. Criteria: ACMG Guidelines, 2015. Collection method: clinical testing. Allele origin: germline. Study: The Canadian Open Genetics Repository (COGR).

Genetic Services Laboratory, University of Chicago
Classification: Uncertain significance. Last evaluated: 2016-09-29. Review status: criteria provided, single submitter. Criteria: ACMG Guidelines, 2015. Collection method: clinical testing. Allele origin: germline. Affected: no.

Color Diagnostics, LLC DBA Color Health
Classification: Likely benign for Hereditary cancer-predisposing syndrome. Last evaluated: 2015-04-28. Review status: criteria provided, single submitter. Criteria: ACMG Guidelines, 2015. Collection method: clinical testing. Allele origin: germline.

Zotz-Klimas Genetics Lab, MVZ Zotz Klimas
Classification: Uncertain significance for Breast-ovarian cancer, familial, susceptibility to, 1. Last evaluated: 2023-11-24. Review status: no assertion criteria provided. Collection method: clinical testing. Allele origin: germline. Affected: yes. Not counted in ClinVar's aggregate classification.

MVZ Praenatalmedizin und Genetik Nuernberg
Classification: Uncertain significance for Breast-ovarian cancer, familial, susceptibility to, 1. Last evaluated: 2018-05-01. Review status: no assertion criteria provided. Collection method: clinical testing. Allele origin: germline. Inheritance: Autosomal dominant inheritance. Affected: yes. Observed: 1 variant allele, 1 heterozygote. Not counted in ClinVar's aggregate classification.
Comment: This rare variant (gnomAD) was found multiple times in databases and literature with uncertain significance. In silico analyses show contradictory results. Therefore we rate this variant as Variant of unknown significance (VUS).

Sharing Clinical Reports Project (SCRP)
Classification: Benign for Breast-ovarian cancer, familial 1. Last evaluated: 2010-01-14. Review status: no assertion criteria provided. Collection method: clinical testing. Allele origin: germline. Not counted in ClinVar's aggregate classification.

Breast Cancer Information Core (BIC) (BRCA1)
Classification: Uncertain significance for Breast-ovarian cancer, familial 1. Last evaluated: 2004-02-20. Review status: no assertion criteria provided. Collection method: clinical testing. Allele origin: germline. Affected: yes. Observed: 3 variant alleles. Not counted in ClinVar's aggregate classification.

Department of Pathology and Laboratory Medicine, Sinai Health System
Classification: Uncertain significance for Malignant tumor of breast. Review status: no assertion criteria provided. Collection method: clinical testing. Allele origin: unknown. Affected: yes. Study: The Canadian Open Genetics Repository (COGR). Not counted in ClinVar's aggregate classification.
Comment: The BRCA1 p.Asp1152Asn variant was identified in 1 of 1042 proband chromosomes (frequency: 0.001) from Slovenian individuals or families with breast and/or ovarian cancers, and was not identified in 80 control chromosomes from healthy individuals (Stegel 2011). The variant was identified by our laboratory in 2 individuals with breast cancer. The variant was also identified in dbSNP (ID: rrs80357175 â€šÃ„ÃºWith Uncertain significance alleleâ€šÃ„Ã¹. The variant was identified in the Exome Aggregation Consortium (ExAC) database (released Oct 20th, 2014) in 2 of 121314 chromosomes (frequency: 0.00001649) or 2 of 66712 European (Non-Finnish) alleles and was not found in populations of South Asians, East Asian, African, Latino, European (Finnish) and other individuals. The p.Asp1152Asn variant was identified in the Clinvar database and was classified as a variant of uncertain significance by Ambry Genetics, GeneDx and BIC; Invitae did not provide a classification. The BRCA Share UMD database identified the variant 3X and classified it as unknown; the variant was identified with a co-occurring BRCA1 pathogenic variant (c.4485_4675del, p.Ser1496GlyfsX14), increasing the likelihood that the p.Asp1152Asn variant does not have clinical significance. BIC database identified the variant 3X with unknown clinical importance. The p.Asp1152 residue is not conserved in mammals and computational analyses (PolyPhen-2, SIFT, AlignGVGD, BLOSUM, MutationTaster) do not suggest a high likelihood of impact to the protein. However, this information is not predictive enough to rule out pathogenicity. In addition, evolutionary conservation analysis predicts the variant as neutral (Abkevich 2004). In summary, based on the above information, the clinical significance of this variant cannot be determined with certainty at this time. This variant is classified as a variant of uncertain significance.

Literature cited by the submitters: PubMed 15385441 (cited by Women's Health and Genetics/Laboratory Corporation of America, LabCorp); PubMed 20104584 (cited by 3 submitters); PubMed 15235020 (cited by Women's Health and Genetics/Laboratory Corporation of America, LabCorp and Quest Diagnostics Nichols Institute San Juan Capistrano); PubMed 12531920 (cited by Women's Health and Genetics/Laboratory Corporation of America, LabCorp); PubMed 21520273 (cited by Women's Health and Genetics/Laboratory Corporation of America, LabCorp); PubMed 21232165 (cited by 4 submitters); PubMed 23704879 (cited by Women's Health and Genetics/Laboratory Corporation of America, LabCorp); PubMed 25682074 (cited by 3 submitters); PubMed 18500671 (cited by Women's Health and Genetics/Laboratory Corporation of America, LabCorp and Sema4); PubMed 25948282 (cited by 4 submitters); PubMed 26689913 (cited by 4 submitters); PubMed 26580448 (cited by 3 submitters); PubMed 32438681 (cited by 3 submitters); PubMed 32546644 (cited by Women's Health and Genetics/Laboratory Corporation of America, LabCorp and Quest Diagnostics Nichols Institute San Juan Capistrano); PubMed 33471991 (cited by Women's Health and Genetics/Laboratory Corporation of America, LabCorp and Quest Diagnostics Nichols Institute San Juan Capistrano); PubMed 33273034 (cited by 3 submitters); PubMed 36833189 (cited by Women's Health and Genetics/Laboratory Corporation of America, LabCorp); PubMed 31911673 (cited by Quest Diagnostics Nichols Institute San Juan Capistrano); PubMed 18546071 (cited by Ambry Genetics); PubMed 26941049 (cited by Ambry Genetics).